The following is an entry in ClinVar:

NM_001035.3(RYR2):c.3067-14G>C

Gene: RYR2 (ryanodine receptor 2; plus strand). Cytogenetic location: 1q43.
Variant type: single nucleotide variant.
Coding change: c.3067-14G>C on transcript NM_001035.3 (MANE Select); 14 bases into the intron before coding-DNA position 3067, G replaced by C.
Molecular consequence: intron variant.
Genome position (GRCh38, 1-based): chr1:237,550,530, G>C. VCF-style: chr1-237550530-G-C. GRCh37 (hg19) VCF-style: chr1-237713830-G-C.
Identifiers: ClinVar variation 874273 (VCV000874273.11), dbSNP rs757471501, ClinGen allele CA086281.

ClinVar aggregate classification (germline): Conflicting classifications of pathogenicity. Review status: criteria provided, conflicting classifications (1 of 4 stars). 5 submissions from 4 submitters: Uncertain significance (2); Likely benign (3). Last evaluated 2025-10-04.

Conditions:
Catecholaminergic polymorphic ventricular tachycardia (CVPT). Also called: Catecholamine-induced polymorphic ventricular tachycardia. Identifiers: Orphanet 3286, MedGen C5574922, MONDO:0017990.
Arrhythmogenic right ventricular dysplasia 2. Identifiers: MedGen C1832931.
Catecholaminergic polymorphic ventricular tachycardia 1. Also called: RYR2-Related Catecholaminergic Polymorphic Ventricular Tachycardia; VENTRICULAR TACHYCARDIA, CATECHOLAMINERGIC POLYMORPHIC, 1, WITH OR WITHOUT ATRIAL DYSFUNCTION AND/OR DILATED CARDIOMYOPATHY; VENTRICULAR TACHYCARDIA, STRESS-INDUCED POLYMORPHIC 1. Identifiers: Orphanet 3286, MedGen C1631597, MONDO:0011484, OMIM 604772.
Cardiomyopathy (CMYO). Also called: Cardiomyopathies. Identifiers: Orphanet 167848, MedGen C0878544, MONDO:0004994, HP:0001638. Inheritance: Various modes of inheritance.

Allele frequency attached by ClinVar (database versions not stated): TOPMed below 0.00001; ExAC 0.00001; gnomAD exomes 0.00001.
gnomAD v4.1: 5 of 1,606,754 alleles (0.00031%); highest among the groups gnomAD compares: Admixed American, 0.0068%; no homozygotes.

Submissions (5):

Labcorp Genetics (formerly Invitae), Labcorp
Classification: Likely benign for Catecholaminergic polymorphic ventricular tachycardia 1. Last evaluated: 2025-10-04. Review status: criteria provided, single submitter. Criteria: Invitae Variant Classification Sherloc (09022015). Collection method: clinical testing. Allele origin: germline.

All of Us Research Program, National Institutes of Health
Classification: Likely benign for Catecholaminergic polymorphic ventricular tachycardia. Last evaluated: 2023-08-15. Review status: criteria provided, single submitter. Criteria: ACMG Guidelines, 2015. Collection method: clinical testing. Allele origin: germline. Inheritance: Autosomal dominant inheritance. Observed: 2 variant alleles, 2 heterozygotes.
Comment: This study involves interpretation of variants in research participants for the purpose of population health screening. Participant phenotype was not available at the time of variant classification. Additional details can be found in publication PMID: 35346344, PMCID: PMC8962531

Color Diagnostics, LLC DBA Color Health
Classification: Likely benign for Cardiomyopathy. Last evaluated: 2019-04-20. Review status: criteria provided, single submitter. Criteria: ACMG Guidelines, 2015. Collection method: clinical testing. Allele origin: germline.

Illumina Laboratory Services, Illumina
Classification: Uncertain significance for Catecholaminergic polymorphic ventricular tachycardia 1. Last evaluated: 2018-01-12. Review status: criteria provided, single submitter. Criteria: ICSL Variant Classification Criteria 13 December 2019. Collection method: clinical testing. Allele origin: germline.

Illumina Laboratory Services, Illumina
Classification: Uncertain significance for Catecholaminergic polymorphic ventricular tachycardia 1. Last evaluated: 2018-01-12. Review status: criteria provided, single submitter. Criteria: ICSL Variant Classification Criteria 13 December 2019. Collection method: clinical testing. Allele origin: germline.